The following is an entry in ClinVar:

NM_001267550.2(TTN):c.38360C>T (p.Pro12787Leu)

Gene: TTN (titin; minus strand). Cytogenetic location: 2q31.2.
Variant type: single nucleotide variant.
Coding change: c.38360C>T on transcript NM_001267550.2 (MANE Select); coding-DNA position 38360, C replaced by T.
Protein change: p.Pro12787Leu; replaces proline 12787 with leucine.
Molecular consequence: missense variant. On other transcripts: intron variant (5).
Genome position (GRCh38, 1-based): chr2:178,654,228, G>A on the plus strand (C>T on the coding strand, the complement: TTN is on the minus strand). VCF-style: chr2-178654228-G-A. GRCh37 (hg19) VCF-style: chr2-179518955-G-A.
Other names: c.13283-11911C>T (NM_003319.4); c.13859-11911C>T (NM_133437.4); c.13658-11911C>T (NM_133432.3); c.31742-1687C>T (NM_133378.4); c.34523-1687C>T (NM_001256850.1); short protein forms P12787L.
Identifiers: ClinVar variation 3234269 (VCV003234269.20), dbSNP rs201780296, ClinGen allele CA1997161.

ClinVar aggregate classification (germline): Uncertain significance (1 of 4 stars; one submission).

Allele frequency attached by ClinVar (database versions not stated): ExAC 0.00001; gnomAD 0.00001; TOPMed 0.00003.
gnomAD v4.1: 19 of 1,598,148 alleles (0.0012%); highest among the groups gnomAD compares: Non-Finnish European, 0.0015%; 1 homozygote.

Submission:

CeGaT Center for Human Genetics Tuebingen
Classification: Uncertain significance. Last evaluated: 2024-04-01. Review status: criteria provided, single submitter. Criteria: CeGaT Center For Human Genetics Tuebingen Variant Classification Criteria Version 2. Collection method: clinical testing. Allele origin: germline. Affected: yes. Observed: 1 variant allele.
Comment: TTN: PM2